The following is an entry in ClinVar:

ClinVar aggregate classification (germline): Uncertain significance. Review status: criteria provided, multiple submitters, no conflicts (2 of 4 stars). 3 submissions from 3 submitters: Uncertain significance (2). 1 of the submissions does not count toward it. Last evaluated 2023-08-12.

Conditions:
Primary ciliary dyskinesia 3. Identifiers: Orphanet 244, MedGen C1837618, MONDO:0012085, OMIM 608644.
Primary ciliary dyskinesia. Also called: Ciliary dyskinesia. Identifiers: Orphanet 244, MedGen C0008780, MONDO:0016575, HP:0012265.

Allele frequency attached by ClinVar (database versions not stated): gnomAD 0.00001; TOPMed 0.00002; ExAC 0.00003; gnomAD exomes 0.00003 and 0.00004; ESP Exome Variant Server 0.00008.
gnomAD v4.1: 65 of 1,613,986 alleles (0.004%); highest among the groups gnomAD compares: Non-Finnish European, 0.0053%; no homozygotes.

Submissions (3):

Revvity Omics, Revvity
Classification: Uncertain significance for Primary ciliary dyskinesia 3. Last evaluated: 2023-08-12. Review status: criteria provided, single submitter. Criteria: ACMG Guidelines, 2015. Collection method: clinical testing. Allele origin: germline.

Labcorp Genetics (formerly Invitae), Labcorp
Classification: Uncertain significance for Primary ciliary dyskinesia. Last evaluated: 2021-08-27. Review status: criteria provided, single submitter. Criteria: Invitae Variant Classification Sherloc (09022015). Collection method: clinical testing. Allele origin: germline.
Comment: This sequence change replaces methionine with isoleucine at codon 3486 of the DNAH5 protein (p.Met3486Ile). The methionine residue is highly conserved and there is a small physicochemical difference between methionine and isoleucine. This variant is present in population databases (rs376253368, ExAC 0.01%). This variant has not been reported in the literature in individuals affected with DNAH5-related conditions. Algorithms developed to predict the effect of missense changes on protein structure and function are either unavailable or do not agree on the potential impact of this missense change (SIFT: "Deleterious"; PolyPhen-2: "Benign"; Align-GVGD: "Class C0"). In summary, the available evidence is currently insufficient to determine the role of this variant in disease. Therefore, it has been classified as a Variant of Uncertain Significance.

Natera, Inc.
Classification: Uncertain significance for Primary ciliary dyskinesia. Last evaluated: 2019-10-28. Review status: no assertion criteria provided. Collection method: clinical testing. Allele origin: germline. Not counted in ClinVar's aggregate classification.

NM_001369.3(DNAH5):c.10458G>A (p.Met3486Ile)

Gene: DNAH5 (dynein axonemal heavy chain 5; minus strand). Cytogenetic location: 5p15.2.
Variant type: single nucleotide variant.
Coding change: c.10458G>A on transcript NM_001369.3 (MANE Select); coding-DNA position 10458, G replaced by A.
Protein change: p.Met3486Ile; replaces methionine 3486 with isoleucine.
Molecular consequence: missense variant.
Genome position (GRCh38, 1-based): chr5:13,754,300, C>T on the plus strand (G>A on the coding strand, the complement: DNAH5 is on the minus strand). VCF-style: chr5-13754300-C-T. GRCh37 (hg19) VCF-style: chr5-13754409-C-T.
Other names: short protein forms M3486I.
Identifiers: ClinVar variation 525422 (VCV000525422.9), dbSNP rs376253368, ClinGen allele CA3202218.